The following is an entry in ClinVar:

ClinVar aggregate classification (germline): Pathogenic. Review status: criteria provided, multiple submitters, no conflicts (2 of 4 stars). 2 submissions from 2 submitters: Pathogenic (2). Last evaluated 2026-01-19.

Conditions:
Autosomal dominant hypocalcemia 1 (HYPOC1). Also called: HYPOCALCEMIA, FAMILIAL. Identifiers: MedGen C3715128, MONDO:0011013, OMIM 601198.
Familial hypocalciuric hypercalcemia (FHH). Also called: Familial benign hypercalcemia. Identifiers: Orphanet 405, MedGen C1809471, MONDO:0018458.

Submissions (2):

Labcorp Genetics (formerly Invitae), Labcorp
Classification: Pathogenic for Familial hypocalciuric hypercalcemia; Autosomal dominant hypocalcemia 1. Last evaluated: 2026-01-19. Review status: criteria provided, single submitter. Criteria: Invitae Variant Classification Sherloc (09022015). Collection method: clinical testing. Allele origin: germline.
Comment: This sequence change replaces serine, which is neutral and polar, with proline, which is neutral and non-polar, at codon 53 of the CASR protein (p.Ser53Pro). This variant is not present in population databases (gnomAD no frequency). This missense change has been observed in individual(s) with familial hypocalciuric hypercalcemia (PMID: 8636323, 25444087, 31672324). It has also been observed to segregate with disease in related individuals. ClinVar contains an entry for this variant (Variation ID: 1683243). An algorithm developed to predict the effect of missense changes on protein structure and function (PolyPhen-2) suggests that this variant is likely to be disruptive. Experimental studies have shown that this missense change affects CASR function (PMID: 8636323). For these reasons, this variant has been classified as Pathogenic.

Women's Health and Genetics/Laboratory Corporation of America, LabCorp
Classification: Pathogenic for Familial hypocalciuric hypercalcemia. Last evaluated: 2022-04-14. Review status: criteria provided, single submitter. Criteria: LabCorp Variant Classification Summary - May 2015. Collection method: clinical testing. Allele origin: germline.
Comment: Variant summary: CASR c.157T>C (p.Ser53Pro) results in a non-conservative amino acid change in the encoded protein sequence. Five of five in-silico tools predict a damaging effect of the variant on protein function. The variant was absent in 251138 control chromosomes. c.157T>C has been reported in the literature to co-segregate with disease in multiple individuals affected with Familial Hypocalciuric Hypercalcemia (example, Heath_1996). These data indicate that the variant is very likely to be associated with disease. At least one publication reports experimental evidence evaluating an impact on protein function (example, Heath_1996). The most pronounced variant effect results in deficient extracellular calcium induced signaling and impaired calcium activation of the receptor. No clinical diagnostic laboratories have submitted clinical-significance assessments for this variant to ClinVar after 2014. Based on the evidence outlined above, the variant was classified as pathogenic.

Literature cited by the submitters: PubMed 8636323 (cited by Labcorp Genetics (formerly Invitae), Labcorp and Women's Health and Genetics/Laboratory Corporation of America, LabCorp); PubMed 25444087 (cited by Labcorp Genetics (formerly Invitae), Labcorp); PubMed 31672324 (cited by Labcorp Genetics (formerly Invitae), Labcorp).

NM_000388.4(CASR):c.157T>C (p.Ser53Pro)

Gene: CASR (calcium sensing receptor; plus strand). Cytogenetic location: 3q21.1.
Variant type: single nucleotide variant.
Coding change: c.157T>C on transcript NM_000388.4 (MANE Select); coding-DNA position 157, T replaced by C.
Protein change: p.Ser53Pro; replaces serine 53 with proline.
Molecular consequence: missense variant.
Genome position (GRCh38, 1-based): chr3:122,254,346, T>C. VCF-style: chr3-122254346-T-C. GRCh37 (hg19) VCF-style: chr3-121973193-T-C.
Other names: c.157T>C, p.Ser53Pro (NM_001178065.2); short protein forms S53P.
Identifiers: ClinVar variation 1683243 (VCV001683243.2), dbSNP rs2107625030, ClinGen allele CA354362254.